The following is an entry in ClinVar:

ClinVar aggregate classification (germline): Likely pathogenic. Review status: criteria provided, multiple submitters, no conflicts (2 of 4 stars). 4 submissions from 4 submitters: Likely pathogenic (4). Last evaluated 2025-12-15.

Conditions:
Biotinidase deficiency. Also called: BTD deficiency; Late-onset biotin-responsive multiple carboxylase deficiency; Biotin deficiency. Identifiers: Orphanet 79241, MedGen C0220754, MONDO:0009665, OMIM 253260.

Submissions (4):

Dasa
Classification: Likely pathogenic. Last evaluated: 2025-12-15. Review status: criteria provided, single submitter. Criteria: DASA Assertion Criteria. Collection method: clinical testing. Allele origin: germline.
Comment: NM_001370658.1(BTD):c.594G>C (p.Glu198Asp) is a missense variant that results in the substitution of glutamic acid with aspartic acid. The affected residue or protein region has prior evidence supporting clinical relevance. This variant has been recurrently observed in individuals with BTD-related disorders (PMID: 28971021; PMID: 15776412). Also, this variant is rare in population databases. Computational evidence supports a deleterious effect. Based on the currently available evidence, this variant is classified as likely pathogenic.

Natera, Inc.
Classification: Likely pathogenic for Biotinidase deficiency. Last evaluated: 2025-10-01. Review status: criteria provided, single submitter. Criteria: Natera Variant Classification Schema (03/2026). Collection method: clinical testing. Allele origin: germline.
Comment: The c.594G>C variant in BTD is a missense variant predicted to cause substitution of glutamic acid to aspartic acid at amino acid 198. This variant is rare in the general population with a frequency below the threshold expected for the associated phenotype(s). This variant has been observed in one or more individuals affected with the associated recessive disease, as either homozygous or compound heterozygous with a second variant (PMID: 38299772, 28971021, 15776412). Computational prediction algorithms indicate this variant is likely to affect gene or protein function. Given the available evidence, this variant is classified as Likely Pathogenic.

Women's Health and Genetics/Laboratory Corporation of America, LabCorp
Classification: Likely pathogenic for Biotinidase deficiency. Last evaluated: 2024-10-15. Review status: criteria provided, single submitter. Criteria: LabCorp Variant Classification Summary - May 2015. Collection method: clinical testing. Allele origin: germline.
Comment: Variant summary: BTD c.594G>C (p.Glu198Asp) results in a conservative amino acid change in the encoded protein sequence. Four of five in-silico tools predict a damaging effect of the variant on protein function. The variant was absent in 251482 control chromosomes (gnomAD). c.594G>C has been reported in the literature in individuals affected with Biotinidase Deficiency with pathogenic variants in trans (e.g. Wolf_2005, Porta_2017, Sharma_2024). These data indicate that the variant is likely to be associated with disease. To our knowledge, no experimental evidence demonstrating an impact on protein function has been reported. The following publications have been ascertained in the context of this evaluation (PMID: 15776412, 28971021, 38299772). ClinVar contains an entry for this variant (Variation ID: 2680347). Based on the evidence outlined above, the variant was classified as likely pathogenic.

Baylor Genetics
Classification: Likely pathogenic for Biotinidase deficiency. Last evaluated: 2023-10-03. Review status: criteria provided, single submitter. Criteria: ACMG Guidelines, 2015. Collection method: clinical testing. Allele origin: unknown.

Literature cited by the submitters: PubMed 28971021 (cited by 3 submitters); PubMed 15776412 (cited by 3 submitters); PubMed 14707518 (cited by Dasa); PubMed 38299772 (cited by Natera, Inc. and Women's Health and Genetics/Laboratory Corporation of America, LabCorp).

NM_001370658.1(BTD):c.594G>C (p.Glu198Asp)

Gene: BTD (biotinidase; plus strand). Cytogenetic location: 3p25.1.
Variant type: single nucleotide variant.
Coding change: c.594G>C on transcript NM_001370658.1 (MANE Select); coding-DNA position 594, G replaced by C.
Protein change: p.Glu198Asp; replaces glutamic acid 198 with aspartic acid.
Molecular consequence: missense variant. On other transcripts: intron variant (1).
Genome position (GRCh38, 1-based): chr3:15,644,510, G>C. VCF-style: chr3-15644510-G-C. GRCh37 (hg19) VCF-style: chr3-15686017-G-C.
Other names: c.654G>C, p.Glu218Asp (NM_000060.4); c.594G>C, p.Glu198Asp (NM_001281723.4, NM_001281724.3, NM_001281725.3 and 18 more transcripts); c.399+2453G>C (NM_001370753.1); short protein forms E198D.
Identifiers: ClinVar variation 2680347 (VCV002680347.6), dbSNP rs397514379, ClinGen allele CA278247.